The following is an entry in ClinVar:

ClinVar aggregate classification (germline): Benign. Review status: criteria provided, multiple submitters, no conflicts (2 of 4 stars). 2 submissions from 2 submitters: Benign (2). Last evaluated 2018-06-14.

Allele frequency attached by ClinVar (database versions not stated): gnomAD exomes 0.04380 and 0.08320; ExAC 0.11476; gnomAD 0.14506 and 0.14746; ESP Exome Variant Server 0.14593; TOPMed 0.16389; 1000 Genomes Project 0.22185; 1000 Genomes Project 30x 0.22408.
gnomAD v4.1: 82,541 of 1,507,792 alleles (5.5%); highest among the groups gnomAD compares: African/African-American, 41%; 8,694 homozygotes.

Submissions (2):

GeneDx
Classification: Benign. Last evaluated: 2018-06-14. Review status: criteria provided, single submitter. Criteria: GeneDx Variant Classification (06012015). Collection method: clinical testing. Allele origin: germline. Affected: yes.
Comment: This variant is considered likely benign or benign based on one or more of the following criteria: it is a conservative change, it occurs at a poorly conserved position in the protein, it is predicted to be benign by multiple in silico algorithms, and/or has population frequency not consistent with disease.

Breakthrough Genomics
Classification: Benign. Review status: criteria provided, single submitter. Criteria: ACMG Guidelines, 2015. Collection method: not provided. Allele origin: germline. Inheritance: Unknown mechanism. Affected: yes.

NM_006393.3(NEBL):c.2868+31G>T

Gene: NEBL (nebulette; minus strand). Cytogenetic location: 10p12.31.
Variant type: single nucleotide variant.
Coding change: c.2868+31G>T on transcript NM_006393.3 (MANE Select); 31 bases into the intron after coding-DNA position 2868, G replaced by T.
Molecular consequence: intron variant.
Genome position (GRCh38, 1-based): chr10:20,787,171, C>A on the plus strand (G>T on the coding strand, the complement: NEBL is on the minus strand). VCF-style: chr10-20787171-C-A. GRCh37 (hg19) VCF-style: chr10-21076100-C-A.
Other names: c.528+31G>T (NM_001377326.1, NM_001377327.1, NM_001377328.1); c.636+31G>T (NM_213569.2, NM_001173484.2); c.729+31G>T (NM_001377322.1); c.579+31G>T (NM_001377324.1); c.570+31G>T (NM_001377325.1); c.588+31G>T (NM_001377323.1).
Identifiers: ClinVar variation 671440 (VCV000671440.2), dbSNP rs2296606, ClinGen allele CA5432294.
Genomic context (GRCh38, chr10:20,787,171, plus strand): 5'-TATTCAATTCAACTCTATTCCACATGTATTTACATGCTTGAGGGGAAATGGGAAGACCAG[C>A]TAAGGAGGAACGTATCAAATGGACACTTACTAGATTTGGTGAATGCTGCATTGATCTCAT-3'